The following is an entry in ClinVar:

NM_001793.6(CDH3):c.2401G>A (p.Asp801Asn)

Gene: CDH3 (cadherin 3; plus strand). Cytogenetic location: 16q22.1.
Variant type: single nucleotide variant.
Coding change: c.2401G>A on transcript NM_001793.6 (MANE Select); coding-DNA position 2401, G replaced by A.
Protein change: p.Asp801Asn; replaces aspartic acid 801 with asparagine.
Molecular consequence: missense variant. On other transcripts: 3 prime UTR variant (1).
Genome position (GRCh38, 1-based): chr16:68,698,311, G>A. VCF-style: chr16-68698311-G-A. GRCh37 (hg19) VCF-style: chr16-68732214-G-A.
Other names: c.*144G>A (NM_001317195.3); c.2236G>A, p.Asp746Asn (NM_001317196.2); short protein forms D746N, D801N.
Identifiers: ClinVar variation 844576 (VCV000844576.5), dbSNP rs201295043, ClinGen allele CA8129729.

ClinVar aggregate classification (germline): Uncertain significance. Review status: criteria provided, multiple submitters, no conflicts (2 of 4 stars). 2 submissions from 2 submitters: Uncertain significance (2). Last evaluated 2023-07-06.

Allele frequency attached by ClinVar (database versions not stated): gnomAD 0.00005 and 0.00006; gnomAD exomes 0.00005; ExAC 0.00006; ESP Exome Variant Server 0.00008; TOPMed 0.00008.
gnomAD v4.1: 159 of 1,614,078 alleles (0.0099%); highest among the groups gnomAD compares: Non-Finnish European, 0.013%; no homozygotes.

Submissions (2):

Blueprint Genetics
Classification: Uncertain significance. Last evaluated: 2023-07-06. Review status: criteria provided, single submitter. Criteria: ACMG Guidelines, 2015. Collection method: clinical testing. Allele origin: germline.

Labcorp Genetics (formerly Invitae), Labcorp
Classification: Uncertain significance. Last evaluated: 2022-08-05. Review status: criteria provided, single submitter. Criteria: Invitae Variant Classification Sherloc (09022015). Collection method: clinical testing. Allele origin: germline.
Comment: This sequence change replaces aspartic acid, which is acidic and polar, with asparagine, which is neutral and polar, at codon 801 of the CDH3 protein (p.Asp801Asn). This variant is present in population databases (rs201295043, gnomAD 0.02%). This variant has not been reported in the literature in individuals affected with CDH3-related conditions. ClinVar contains an entry for this variant (Variation ID: 844576). Algorithms developed to predict the effect of missense changes on protein structure and function are either unavailable or do not agree on the potential impact of this missense change (SIFT: "Not Available"; PolyPhen-2: "Benign"; Align-GVGD: "Not Available"). In summary, the available evidence is currently insufficient to determine the role of this variant in disease. Therefore, it has been classified as a Variant of Uncertain Significance.